The following is an entry in ClinVar:

ClinVar aggregate classification (germline): Uncertain significance (1 of 4 stars; one submission).

Conditions:
Spastic paraplegia. Identifiers: MedGen C0037772, HP:0001258.

Submission:

Labcorp Genetics (formerly Invitae), Labcorp
Classification: Uncertain significance for Spastic paraplegia. Last evaluated: 2025-12-13. Review status: criteria provided, single submitter. Criteria: Invitae Variant Classification Sherloc (09022015). Collection method: clinical testing. Allele origin: germline.
Comment: This sequence change replaces valine, which is neutral and non-polar, with alanine, which is neutral and non-polar, at codon 47 of the L1CAM protein (p.Val47Ala). This variant is not present in population databases (gnomAD no frequency). This variant has not been reported in the literature in individuals affected with L1CAM-related conditions. Invitae Evidence Modeling of protein sequence and biophysical properties (such as structural, functional, and spatial information, amino acid conservation, physicochemical variation, residue mobility, and thermodynamic stability) indicates that this missense variant is not expected to disrupt L1CAM protein function with a negative predictive value of 95%. In summary, the available evidence is currently insufficient to determine the role of this variant in disease. Therefore, it has been classified as a Variant of Uncertain Significance.

NM_001278116.2(L1CAM):c.140T>C (p.Val47Ala)

Gene: L1CAM (L1 cell adhesion molecule; minus strand). Cytogenetic location: Xq28.
Variant type: single nucleotide variant.
Coding change: c.140T>C on transcript NM_001278116.2 (MANE Select); coding-DNA position 140, T replaced by C.
Protein change: p.Val47Ala; replaces valine 47 with alanine.
Molecular consequence: missense variant.
Genome position (GRCh38, 1-based): chrX:153,872,649, A>G on the plus strand (T>C on the coding strand, the complement: L1CAM is on the minus strand). VCF-style: chrX-153872649-A-G. GRCh37 (hg19) VCF-style: chrX-153138104-A-G.
Other names: c.140T>C, p.Val47Ala (NM_000425.5, NM_024003.3); c.125T>C, p.Val42Ala (NM_001143963.2); short protein forms V42A, V47A.
Identifiers: ClinVar variation 4706310 (VCV004706310.1).